The following is an entry in ClinVar:

NM_152743.4(BRAT1):c.2267G>T (p.Arg756Leu)

Gene: BRAT1 (BRCA1 associated ATM activator 1; minus strand). Cytogenetic location: 7p22.3.
Variant type: single nucleotide variant.
Coding change: c.2267G>T on transcript NM_152743.4 (MANE Select); coding-DNA position 2267, G replaced by T.
Protein change: p.Arg756Leu; replaces arginine 756 with leucine.
Molecular consequence: missense variant. On other transcripts: non-coding transcript variant (1).
Genome position (GRCh38, 1-based): chr7:2,538,268, C>A on the plus strand (G>T on the coding strand, the complement: BRAT1 is on the minus strand). VCF-style: chr7-2538268-C-A. GRCh37 (hg19) VCF-style: chr7-2577902-C-A.
Other names: c.2447G>T, p.Arg816Leu (NM_001350626.2); c.1742G>T, p.Arg581Leu (NM_001350627.2); short protein forms R581L, R816L, R756L.
Identifiers: ClinVar variation 856393 (VCV000856393.7), dbSNP rs35955968, ClinGen allele CA4127409.

ClinVar aggregate classification (germline): Uncertain significance (1 of 4 stars; one submission).

Conditions:
Neonatal-onset encephalopathy with rigidity and seizures. Also called: Lethal neonatal spasticity-epileptic encephalopathy syndrome. Identifiers: Orphanet 435845, MedGen C3281029, MONDO:0013784, OMIM 614498.

Allele frequency attached by ClinVar (database versions not stated): TOPMed 0.00001.
gnomAD v4.1: 3 of 1,611,078 alleles (0.00019%); highest among the groups gnomAD compares: Non-Finnish European, 0.00025%; no homozygotes.

Submission:

Labcorp Genetics (formerly Invitae), Labcorp
Classification: Uncertain significance for Neonatal-onset encephalopathy with rigidity and seizures. Last evaluated: 2021-08-27. Review status: criteria provided, single submitter. Criteria: Invitae Variant Classification Sherloc (09022015). Collection method: clinical testing. Allele origin: germline.
Comment: This sequence change replaces arginine with leucine at codon 756 of the BRAT1 protein (p.Arg756Leu). The arginine residue is moderately conserved and there is a moderate physicochemical difference between arginine and leucine. This variant is present in population databases (rs35955968, ExAC 0.009%). This variant has not been reported in the literature in individuals affected with BRAT1-related conditions. Algorithms developed to predict the effect of missense changes on protein structure and function (SIFT, PolyPhen-2, Align-GVGD) all suggest that this variant is likely to be tolerated. In summary, the available evidence is currently insufficient to determine the role of this variant in disease. Therefore, it has been classified as a Variant of Uncertain Significance.